The following is an entry in ClinVar:

ClinVar aggregate classification (germline): Benign (1 of 4 stars; one submission).

Allele frequency attached by ClinVar (database versions not stated): 1000 Genomes Project 0.00040; gnomAD 0.00063; ExAC 0.00067; TOPMed 0.00084; 1000 Genomes Project 30x 0.00031; ESP Exome Variant Server 0.00092.
gnomAD v4.1: 680 of 1,614,048 alleles (0.042%); highest among the groups gnomAD compares: Admixed American, 0.087%; 6 homozygotes.

Submission:

CeGaT Center for Human Genetics Tuebingen
Classification: Benign. Last evaluated: 2022-09-01. Review status: criteria provided, single submitter. Criteria: CeGaT Center For Human Genetics Tuebingen Variant Classification Criteria Version 2. Collection method: clinical testing. Allele origin: germline. Affected: yes. Observed: 1 variant allele.
Comment: CELSR1: BS1, BS2

NM_001378328.1(CELSR1):c.4428C>T (p.Asn1476=)

Gene: CELSR1 (cadherin EGF LAG seven-pass G-type receptor 1; minus strand). Cytogenetic location: 22q13.31.
Variant type: single nucleotide variant.
Coding change: c.4428C>T on transcript NM_001378328.1 (MANE Select); coding-DNA position 4428, C replaced by T.
Protein change: p.Asn1476=; no amino-acid change (asparagine 1476 retained).
Molecular consequence: synonymous variant.
Genome position (GRCh38, 1-based): chr22:46,436,268, G>A on the plus strand (C>T on the coding strand, the complement: CELSR1 is on the minus strand). VCF-style: chr22-46436268-G-A. GRCh37 (hg19) VCF-style: chr22-46832165-G-A.
Other names: c.4428C>T, p.Asn1476= (NM_014246.4).
Identifiers: ClinVar variation 2653334 (VCV002653334.24), dbSNP rs138150351, ClinGen allele CA10294655.